The following is an entry in ClinVar:

NM_014244.5(ADAMTS2):c.731G>A (p.Gly244Asp)

Gene: ADAMTS2 (ADAM metallopeptidase with thrombospondin type 1 motif 2; minus strand). Cytogenetic location: 5q35.3.
Variant type: single nucleotide variant.
Coding change: c.731G>A on transcript NM_014244.5 (MANE Select); coding-DNA position 731, G replaced by A.
Protein change: p.Gly244Asp; replaces glycine 244 with aspartic acid.
Molecular consequence: missense variant.
Genome position (GRCh38, 1-based): chr5:179,207,673, C>T on the plus strand (G>A on the coding strand, the complement: ADAMTS2 is on the minus strand). VCF-style: chr5-179207673-C-T. GRCh37 (hg19) VCF-style: chr5-178634674-C-T.
Other names: c.731G>A, p.Gly244Asp (NM_021599.4); short protein forms G244D.
Identifiers: ClinVar variation 1699699 (VCV001699699.7), dbSNP rs769174562, ClinGen allele CA3596184.

ClinVar aggregate classification (germline): Uncertain significance. Review status: criteria provided, multiple submitters, no conflicts (2 of 4 stars). 3 submissions from 3 submitters: Uncertain significance (3). Last evaluated 2022-07-08.

Conditions:
Ehlers-Danlos syndrome (EDS). Identifiers: Orphanet 98249, MedGen C0013720, MONDO:0020066.
Ehlers-Danlos syndrome, dermatosparaxis type. Also called: EDS VIIC; Dermatosparaxis; Ehlers-Danlos syndrome, type VII, autosomal recessive. Identifiers: Orphanet 1901, MedGen C2700425, MONDO:0009161, OMIM 225410.

Allele frequency attached by ClinVar (database versions not stated): TOPMed 0.00001; gnomAD 0.00002.
gnomAD v4.1: 10 of 1,613,212 alleles (0.00062%); highest among the groups gnomAD compares: Non-Finnish European, 0.00076%; no homozygotes.

Submissions (3):

Labcorp Genetics (formerly Invitae), Labcorp
Classification: Uncertain significance for Ehlers-Danlos syndrome, dermatosparaxis type. Last evaluated: 2022-07-08. Review status: criteria provided, single submitter. Criteria: Invitae Variant Classification Sherloc (09022015). Collection method: clinical testing. Allele origin: germline.
Comment: This sequence change replaces glycine, which is neutral and non-polar, with aspartic acid, which is acidic and polar, at codon 244 of the ADAMTS2 protein (p.Gly244Asp). This variant is present in population databases (rs769174562, gnomAD 0.003%). This variant has not been reported in the literature in individuals affected with ADAMTS2-related conditions. Algorithms developed to predict the effect of missense changes on protein structure and function are either unavailable or do not agree on the potential impact of this missense change (SIFT: "Deleterious"; PolyPhen-2: "Benign"; Align-GVGD: "Class C15"). In summary, the available evidence is currently insufficient to determine the role of this variant in disease. Therefore, it has been classified as a Variant of Uncertain Significance.

GeneDx
Classification: Uncertain significance. Last evaluated: 2022-02-01. Review status: criteria provided, single submitter. Criteria: GeneDx Variant Classification Process June 2021. Collection method: clinical testing. Allele origin: germline. Affected: yes.
Comment: Has not been previously published as pathogenic or benign to our knowledge; Not observed at significant frequency in large population cohorts (gnomAD); In silico analysis supports that this missense variant does not alter protein structure/function

Genome Diagnostics Laboratory, The Hospital for Sick Children
Classification: Uncertain significance for Ehlers-Danlos syndrome. Last evaluated: 2020-12-02. Review status: criteria provided, single submitter. Criteria: ACMG Guidelines, 2015. Collection method: clinical testing. Allele origin: germline.